The following is an entry in ClinVar:

ClinVar aggregate classification (germline): Uncertain significance (1 of 4 stars; one submission).

Conditions:
UCP3-related disorder. Also called: UCP3-related condition.

Submission:

PreventionGenetics, part of Exact Sciences
Classification: Uncertain significance for UCP3-related condition. Last evaluated: 2025-12-24. Review status: criteria provided, single submitter. Criteria: ACMG Guidelines, 2015. Collection method: clinical testing. Allele origin: germline.
Comment: The UCP3 c.326A>C variant is predicted to result in the amino acid substitution p.Lys109Thr. To our knowledge, this variant has not been reported in the literature. This variant is reported in 0.0018% of alleles in individuals of European (Non-Finnish) descent in gnomAD. At this time, the clinical significance of this variant is uncertain due to the absence of conclusive functional and genetic evidence.

NM_003356.4(UCP3):c.326A>C (p.Lys109Thr)

Gene: UCP3 (uncoupling protein 3; minus strand). Cytogenetic location: 11q13.4.
Variant type: single nucleotide variant.
Coding change: c.326A>C on transcript NM_003356.4 (MANE Select); coding-DNA position 326, A replaced by C.
Protein change: p.Lys109Thr; replaces lysine 109 with threonine.
Molecular consequence: missense variant.
Genome position (GRCh38, 1-based): chr11:74,006,180, T>G on the plus strand (A>C on the coding strand, the complement: UCP3 is on the minus strand). VCF-style: chr11-74006180-T-G. GRCh37 (hg19) VCF-style: chr11-73717225-T-G.
Other names: c.326A>C, p.Lys109Thr (NM_022803.3); short protein forms K109T.
Identifiers: ClinVar variation 4983789 (VCV004983789.1).